The following is an entry in ClinVar:

ClinVar aggregate classification (germline): Pathogenic (1 of 4 stars; one submission).

Conditions:
Tay-Sachs disease (TSD). Also called: HEXA DEFICIENCY; HEXA Disorders; GM2 gangliosidosis, type 1; Hexosaminidase alpha-subunit deficiency (variant B); Sphingolipidosis, Tay-Sachs; Hexosaminidase A Deficiency. Identifiers: Orphanet 845, MedGen C0039373, MONDO:0010100, OMIM 272800.

Submission:

Natera, Inc.
Classification: Pathogenic for Tay-Sachs disease. Last evaluated: 2024-07-29. Review status: criteria provided, single submitter. Criteria: Natera Variant Classification Schema (03/2026). Collection method: clinical testing. Allele origin: germline.
Comment: The c.1422-1G>A variant in HEXA is a canonical splice acceptor site variant predicted to affect pre-mRNA splicing, which may result in an abnormal transcript and altered protein product. This variant is expected to result in nonsense mediated decay, truncation, or a dysfunctional protein product. This variant is rare in the general population with a frequency below the threshold expected for the associated phenotype(s). Another variant at this same site results in an alteration predicted to cause a similar molecular effect has been observed in individual(s) with the associated phenotype. Given the available evidence, this variant is classified as Pathogenic.

NM_000520.6(HEXA):c.1422-1G>A

Gene: HEXA (hexosaminidase subunit alpha; minus strand). Cytogenetic location: 15q23.
Variant type: single nucleotide variant.
Coding change: c.1422-1G>A on transcript NM_000520.6 (MANE Select); the canonical splice acceptor site of the intron before coding-DNA position 1422, G replaced by A.
Molecular consequence: splice acceptor variant.
Genome position (GRCh38, 1-based): chr15:72,345,551, C>T on the plus strand (G>A on the coding strand, the complement: HEXA is on the minus strand). VCF-style: chr15-72345551-C-T. GRCh37 (hg19) VCF-style: chr15-72637892-C-T.
Other names: c.1455-1G>A (NM_001318825.2).
Identifiers: ClinVar variation 4818721 (VCV004818721.1).